The following is an entry in ClinVar:

ClinVar aggregate classification (germline): Uncertain significance. Review status: criteria provided, multiple submitters, no conflicts (2 of 4 stars). 2 submissions from 2 submitters: Uncertain significance (2). Last evaluated 2023-11-20.

Conditions:
Cardiomyopathy (CMYO). Also called: Cardiomyopathies. Identifiers: Orphanet 167848, MedGen C0878544, MONDO:0004994, HP:0001638. Inheritance: Various modes of inheritance.
Hypertrophic cardiomyopathy. Also called: HYPERTROPHIC MYOCARDIOPATHY. Identifiers: Orphanet 217569, MedGen C0007194, MeSH D002312, MONDO:0005045, HP:0001639.

Allele frequency attached by ClinVar (database versions not stated): gnomAD exomes below 0.00001.
gnomAD v4.1: 2 of 1,613,964 alleles (0.00012%); highest among the groups gnomAD compares: Non-Finnish European, 0.00017%; no homozygotes.

Submissions (2):

Color Diagnostics, LLC DBA Color Health
Classification: Uncertain significance for Cardiomyopathy. Last evaluated: 2023-11-20. Review status: criteria provided, single submitter. Criteria: ACMG Guidelines, 2015. Collection method: clinical testing. Allele origin: germline.
Comment: This missense variant replaces tyrosine with cysteine at codon 806 of the MYBPC3 protein. Computational prediction suggests that this variant may have deleterious impact on protein structure and function (internally defined REVEL score threshold >= 0.7, PMID: 27666373). To our knowledge, functional studies have not been reported for this variant. This variant has not been reported in individuals affected with MYBPC3-related disorders in the literature. This variant has not been identified in the general population by the Genome Aggregation Database (gnomAD). The available evidence is insufficient to determine the role of this variant in disease conclusively. Therefore, this variant is classified as a Variant of Uncertain Significance.

Labcorp Genetics (formerly Invitae), Labcorp
Classification: Uncertain significance for Hypertrophic cardiomyopathy. Last evaluated: 2021-05-07. Review status: criteria provided, single submitter. Criteria: Invitae Variant Classification Sherloc (09022015). Collection method: clinical testing. Allele origin: germline.
Comment: In summary, the available evidence is currently insufficient to determine the role of this variant in disease. Therefore, it has been classified as a Variant of Uncertain Significance. Algorithms developed to predict the effect of missense changes on protein structure and function (SIFT, PolyPhen-2, Align-GVGD) all suggest that this variant is likely to be disruptive, but these predictions have not been confirmed by published functional studies and their clinical significance is uncertain. This variant has not been reported in the literature in individuals with MYBPC3-related conditions. This variant is not present in population databases (ExAC no frequency). This sequence change replaces tyrosine with cysteine at codon 806 of the MYBPC3 protein (p.Tyr806Cys). The tyrosine residue is highly conserved and there is a large physicochemical difference between tyrosine and cysteine.

NM_000256.3(MYBPC3):c.2417A>G (p.Tyr806Cys)

Gene: MYBPC3 (myosin binding protein C3; minus strand). Cytogenetic location: 11p11.2.
Variant type: single nucleotide variant.
Coding change: c.2417A>G on transcript NM_000256.3 (MANE Select); coding-DNA position 2417, A replaced by G.
Protein change: p.Tyr806Cys; replaces tyrosine 806 with cysteine.
Molecular consequence: missense variant.
Genome position (GRCh38, 1-based): chr11:47,337,576, T>C on the plus strand (A>G on the coding strand, the complement: MYBPC3 is on the minus strand). VCF-style: chr11-47337576-T-C. GRCh37 (hg19) VCF-style: chr11-47359127-T-C.
Other names: short protein forms Y806C.
Identifiers: ClinVar variation 1466169 (VCV001466169.10), dbSNP rs979085643, ClinGen allele CA221688707.
Genomic context (GRCh38, chr11:47,337,576, plus strand): 5'-ATCAGGTCGAAGTTCAGCCGCATCCACCGGTAGCTCTTCTTCTTCTTGCGCTCCAGGATG[T>C]AGCCTGGCTCAGGGGAGGTGGCAGCTCTGGTCTGGAACCCAGGCATCCCCACACCACCTT-3'
Protein context (NP_000247.2, residues 796-816): AYDGGQPILG[Tyr806Cys]ILERKKKKSY